The following is an entry in ClinVar:

ClinVar aggregate classification (germline): Uncertain significance (1 of 4 stars; one submission).

Submission:

GeneDx
Classification: Uncertain significance. Last evaluated: 2024-01-25. Review status: criteria provided, single submitter. Criteria: GeneDx Variant Classification Process June 2021. Collection method: clinical testing. Allele origin: germline. Affected: yes.
Comment: Not observed at significant frequency in large population cohorts (gnomAD); In silico analysis supports a deleterious effect on splicing; Has not been previously published as pathogenic or benign to our knowledge

NM_001267550.2(TTN):c.92-10T>A

Gene: TTN (titin; minus strand). Cytogenetic location: 2q31.2.
Variant type: single nucleotide variant.
Coding change: c.92-10T>A on transcript NM_001267550.2 (MANE Select); 10 bases into the intron before coding-DNA position 92, T replaced by A.
Molecular consequence: intron variant.
Genome position (GRCh38, 1-based): chr2:178,802,351, A>T on the plus strand (T>A on the coding strand, the complement: TTN is on the minus strand). VCF-style: chr2-178802351-A-T. GRCh37 (hg19) VCF-style: chr2-179667078-A-T.
Other names: c.92-10T>A (NM_003319.4, NM_133437.4, NM_133432.3 and 3 more transcripts).
Identifiers: ClinVar variation 3368248 (VCV003368248.1).